The following is an entry in ClinVar:

NM_000059.4(BRCA2):c.3836A>G (p.Asn1279Ser)

Gene: BRCA2 (BRCA2 DNA repair associated; plus strand). Cytogenetic location: 13q13.1.
Variant type: single nucleotide variant.
Coding change: c.3836A>G on transcript NM_000059.4 (MANE Select); coding-DNA position 3836, A replaced by G.
Protein change: p.Asn1279Ser; replaces asparagine 1279 with serine.
Molecular consequence: missense variant.
Genome position (GRCh38, 1-based): chr13:32,338,191, A>G. VCF-style: chr13-32338191-A-G. GRCh37 (hg19) VCF-style: chr13-32912328-A-G.
Other names: short protein forms N1279S.
Identifiers: ClinVar variation 409423 (VCV000409423.34), dbSNP rs1060502384, ClinGen allele CA16613874.

ClinVar aggregate classification (germline): Conflicting classifications of pathogenicity. Review status: criteria provided, conflicting classifications (1 of 4 stars). 9 submissions from 9 submitters: Uncertain significance (7); Likely benign (2). Last evaluated 2025-03-04.

Conditions:
BRCA2-related cancer predisposition. Identifiers: MedGen CN377758, MONDO:0700269.
Hereditary cancer-predisposing syndrome. Also called: Hereditary neoplastic syndrome; Neoplastic Syndromes, Hereditary; Hereditary Cancer Syndrome; Tumor predisposition. Identifiers: Orphanet 140162, MedGen C0027672, MeSH D009386, MONDO:0015356.
Hereditary breast ovarian cancer syndrome. Also called: Breast and ovarian cancer; Hereditary breast and ovarian cancer syndrome; Hereditary breast and/or ovarian cancer syndrome; Hereditary breast and ovarian cancer syndrome (HBOC); Hereditary breast and ovarian cancer; BRCA1- and BRCA2-Associated Hereditary Breast and Ovarian Cancer. Identifiers: Orphanet 145, MedGen C0677776, MeSH D061325, MONDO:0003582. Disease mechanism: loss of function.
Familial cancer of breast. Also called: BREAST CANCER, FAMILIAL; hereditary breast carcinoma; Hereditary breast cancer. Identifiers: Orphanet 227535, MedGen C0346153, MONDO:0016419, OMIM 114480. Disease mechanism: loss of function.

Allele frequency attached by ClinVar (database versions not stated): gnomAD exomes below 0.00001.
gnomAD v4.1: 1 of 1,559,950 alleles (0.000064%); highest among the groups gnomAD compares: Non-Finnish European, 0.000087%; no homozygotes.

Submissions (9):

Center for Genomic Medicine, Rigshospitalet, Copenhagen University Hospital
Classification: Uncertain significance. Last evaluated: 2025-03-04. Review status: criteria provided, single submitter. Criteria: ACMG Guidelines, 2015. Collection method: clinical testing. Allele origin: germline.

Labcorp Genetics (formerly Invitae), Labcorp
Classification: Uncertain significance for Hereditary breast ovarian cancer syndrome. Last evaluated: 2025-01-29. Review status: criteria provided, single submitter. Criteria: Invitae Variant Classification Sherloc (09022015). Collection method: clinical testing. Allele origin: germline.
Comment: This sequence change replaces asparagine, which is neutral and polar, with serine, which is neutral and polar, at codon 1279 of the BRCA2 protein (p.Asn1279Ser). This variant is not present in population databases (gnomAD no frequency). This missense change has been observed in individual(s) with breast and/or ovarian cancer, as well as in unaffected individuals (PMID: 12552570, 25503501, 37415649). ClinVar contains an entry for this variant (Variation ID: 409423). Invitae Evidence Modeling of protein sequence and biophysical properties (such as structural, functional, and spatial information, amino acid conservation, physicochemical variation, residue mobility, and thermodynamic stability) indicates that this missense variant is not expected to disrupt BRCA2 protein function with a negative predictive value of 95%. In summary, the available evidence is currently insufficient to determine the role of this variant in disease. Therefore, it has been classified as a Variant of Uncertain Significance.

GeneDx
Classification: Uncertain significance. Last evaluated: 2024-11-18. Review status: criteria provided, single submitter. Criteria: GeneDx Variant Classification Process June 2021. Collection method: clinical testing. Allele origin: germline.
Comment: Observed in individuals with breast and/or ovarian cancers (PMID: 12552570, 25503501); Not observed at significant frequency in large population cohorts (gnomAD); In silico analysis supports that this missense variant has a deleterious effect on protein structure/function; Also known as 4064A>G; This variant is associated with the following publications: (PMID: 31911673, 15172753, 29884841, 25503501, 12552570, 31853058, 32377563, 27527004, 35753294, 37415649)

Ambry Genetics
Classification: Uncertain significance for Hereditary cancer-predisposing syndrome. Last evaluated: 2024-10-15. Review status: criteria provided, single submitter. Criteria: Ambry Variant Classification Scheme 2023. Collection method: clinical testing. Allele origin: germline.
Comment: The p.N1279S variant (also known as c.3836A>G), located in coding exon 10 of the BRCA2 gene, results from an A to G substitution at nucleotide position 3836. The asparagine at codon 1279 is replaced by serine, an amino acid with highly similar properties. In one study, this variant was reported in 1/40 Cypriot families with multiple cases of breast and ovarian cancer and 1/50 unrelated healthy Cypriots with no history of breast or ovarian cancer (Hadjisavvas A et al. Hum. Mutat. 2003 Feb;21(2):171; Hadjisavvas A et al. Cancer Genet. Cytogenet. 2004 Jun;151(2):152-6). This alteration was also previously reported in at least one individual from a cohort of 278 BRCA1/2-negative individuals with early-onset breast cancer via multiplex panel testing of 22 cancer susceptibility genes (Maxwell KN et al. Genet. Med. 2015 Aug;17(8):630-8). This variant was not reported in population based cohorts in the following databases: Database of Single Nucleotide Polymorphisms (dbSNP), NHLBI Exome Sequencing Project (ESP), and 1000 Genomes Project. In the ESP, this variant was not observed in 6469 samples (12938 alleles) with coverage at this position. To date, this alteration has been detected with an allele frequency of approximately 0.0003% (greater than 300000 alleles tested) in our clinical cohort. This amino acid position is poorly conserved in available vertebrate species. In addition, this alteration is predicted to be tolerated by in silico analysis. Since supporting evidence is limited at this time, the clinical significance of this alteration remains unclear.

All of Us Research Program, National Institutes of Health
Classification: Uncertain significance for BRCA2-related cancer predisposition. Last evaluated: 2024-05-30. Review status: criteria provided, single submitter. Criteria: ACMG Guidelines, 2015. Collection method: clinical testing. Allele origin: germline. Inheritance: Autosomal dominant inheritance. Observed: 1 variant allele, 1 heterozygote.
Comment: This missense variant replaces asparagine with serine at codon 1279 of the BRCA2 protein. Computational prediction suggests that this variant may not impact protein structure and function (internally defined REVEL score threshold <= 0.5, PMID: 27666373). To our knowledge, functional studies have not been reported for this variant. This variant has been reported in individuals affected with breast cancer (PMID: 12552570, 25503501, 37415649) and in an unaffected individual (PMID: 12552570). This variant has not been identified in the general population by the Genome Aggregation Database (gnomAD). The available evidence is insufficient to determine the role of this variant in disease conclusively. Therefore, this variant is classified as a Variant of Uncertain Significance.

This study involves interpretation of variants in research participants for the purpose of population health screening. Participant phenotype was not available at the time of variant classification. Additional details can be found in publication PMID: 35346344, PMCID: PMC8962531

MGZ Medical Genetics Center
Classification: Likely benign for Familial cancer of breast. Last evaluated: 2024-02-09. Review status: criteria provided, single submitter. Criteria: CSpec BRCA1/2ACMG Rules Specifications V1.1.0. Collection method: clinical testing. Allele origin: germline. Affected: yes.
Comment: ACMG codes applied following ENIGMA VCEP rules: BP1_STR, PM2_SUP

Department of Pathology and Laboratory Medicine, Sinai Health System
Classification: Uncertain significance for BRCA2-related cancer predisposition. Last evaluated: 2023-10-18. Review status: criteria provided, single submitter. Criteria: ACMG Guidelines, 2015. Collection method: clinical testing. Allele origin: germline. Affected: no.

Color Diagnostics, LLC DBA Color Health
Classification: Uncertain significance for Hereditary cancer-predisposing syndrome. Last evaluated: 2023-10-03. Review status: criteria provided, single submitter. Criteria: ACMG Guidelines, 2015. Collection method: clinical testing. Allele origin: germline.
Comment: This missense variant replaces asparagine with serine at codon 1279 of the BRCA2 protein. Computational prediction suggests that this variant may not impact protein structure and function (internally defined REVEL score threshold <= 0.5, PMID: 27666373). To our knowledge, functional studies have not been reported for this variant. This variant has been reported in individuals affected with breast cancer (PMID: 12552570, 25503501, 37415649) and in an unaffected individual (PMID: 12552570). This variant has not been identified in the general population by the Genome Aggregation Database (gnomAD). The available evidence is insufficient to determine the role of this variant in disease conclusively. Therefore, this variant is classified as a Variant of Uncertain Significance.

University of Washington Department of Laboratory Medicine, University of Washington
Classification: Likely benign for Hereditary cancer-predisposing syndrome. Last evaluated: 2023-03-23. Review status: criteria provided, single submitter. Criteria: Dines et al. (Genet Med. 2020). Collection method: curation. Allele origin: germline.
Comment: Missense variant in a coldspot region where missense variants are very unlikely to be pathogenic (PMID:31911673).

BRCA2 exon 11 coldspot. Reclassification based on statistical prior probability.

Literature cited by the submitters: PubMed 15172753 (cited by 3 submitters); PubMed 35753294 (cited by Center for Genomic Medicine, Rigshospitalet, Copenhagen University Hospital); PubMed 12552570 (cited by 4 submitters); PubMed 25503501 (cited by 4 submitters); PubMed 37415649 (cited by 3 submitters).